The following is an entry in ClinVar:

NM_005458.8(GABBR2):c.109C>T (p.Pro37Ser)

Gene: GABBR2 (gamma-aminobutyric acid type B receptor subunit 2; minus strand). Cytogenetic location: 9q22.33.
Variant type: single nucleotide variant.
Coding change: c.109C>T on transcript NM_005458.8 (MANE Select); coding-DNA position 109, C replaced by T.
Protein change: p.Pro37Ser; replaces proline 37 with serine.
Molecular consequence: missense variant.
Genome position (GRCh38, 1-based): chr9:98,708,629, G>A on the plus strand (C>T on the coding strand, the complement: GABBR2 is on the minus strand). VCF-style: chr9-98708629-G-A. GRCh37 (hg19) VCF-style: chr9-101470911-G-A.
Other names: short protein forms P37S.
Identifiers: ClinVar variation 946735 (VCV000946735.9), dbSNP rs1830934863, ClinGen allele CA374212830.

ClinVar aggregate classification (germline): Uncertain significance (1 of 4 stars; one submission).

Conditions:
Epileptic encephalopathy. Identifiers: MedGen C0543888, HP:0200134.

Submission:

Labcorp Genetics (formerly Invitae), Labcorp
Classification: Uncertain significance for Epileptic encephalopathy. Last evaluated: 2019-07-12. Review status: criteria provided, single submitter. Criteria: Invitae Variant Classification Sherloc (09022015). Collection method: clinical testing. Allele origin: germline.
Comment: In summary, the available evidence is currently insufficient to determine the role of this variant in disease. Therefore, it has been classified as a Variant of Uncertain Significance. This variant has not been reported in the literature in individuals with GABBR2-related conditions. The frequency data for this variant in the population databases is considered unreliable, as metrics indicate insufficient coverage at this position in the ExAC database. This sequence change replaces proline with serine at codon 37 of the GABBR2 protein (p.Pro37Ser). The proline residue is weakly conserved and there is a moderate physicochemical difference between proline and serine.